The following is an entry in ClinVar:

ClinVar aggregate classification (germline): Uncertain significance. Review status: criteria provided, single submitter (1 of 4 stars). 2 submissions from 2 submitters: Uncertain significance (1). 1 of the submissions does not count toward it. Last evaluated 2023-04-03.

Conditions:
Cardiac valvular dysplasia, X-linked (CVDPX). Also called: MYXOMATOUS VALVULAR DYSTROPHY, X-LINKED; VALVULAR HEART DISEASE, CONGENITAL; FLNA-Related X-linked Cardiac Valvular Dysplasia; Congenital valvular dysplasia; Isolated X-Linked Cardiac Valvular Dysplasia. Identifiers: Orphanet 1864, Orphanet 555877, Orphanet 75497, MedGen C0262436, MONDO:0010753, OMIM 314400.

Submissions (2):

New York Genome Center
Classification: Uncertain significance for Cardiac valvular dysplasia, X-linked. Last evaluated: 2023-04-03. Review status: criteria provided, single submitter. Criteria: NYGC Assertion Criteria 2020. Collection method: clinical testing. Allele origin: germline. Observed: 1 heterozygote.
Comment: The hemizygous c.382G>A p.(Ala128Thr) missense variant identified in the FLNA gene has not been reported in affected individuals in the literature or in the ClinVar database. However, a different missense variant [c.383C>T (p.Ala128Val)] affecting the same residue128 has been reported in a Spanish family in three females diagnosed with a connective tissue disorder suggestive of EDS type III and PNH [PMID:15994863]. The c.382G>A variant identified in this individual is absent in population databases (gnomAD v2.1.1 and v3.1.2, TOPMed Freeze 8), suggesting it is not a common benign variant in the populations represented in those databases. The c.382G>A variant is located in exon 3 of this 48-exon gene and is predicted to replace a highly conserved alanine residue with threonine at position 128 within the Calponin-homology (CH) 1 domain of the encoded protein [PMID:30089473]. In silico predictions are in favor of the variant’s damaging effect [REVEL =0.81]; however, functional studies to support or refute these predictions have not been reported. Due to the lack of inheritance information of this variant in the proband, and due to the lack of compelling evidence for the variant pathogenicity, the hemizygous c.382G>A p.(Ala128Thr) missense variant identified in the FLNA gene is reported as a Variant of Uncertain Significance.

Clinical Genetics Laboratory, University Hospital Schleswig-Holstein
Classification: Likely pathogenic for Cardiac valvular dysplasia, X-linked. Last evaluated: 2022-09-14. Review status: no assertion criteria provided. Collection method: clinical testing. Allele origin: germline. Affected: yes. Not counted in ClinVar's aggregate classification.

NM_001110556.2(FLNA):c.382G>A (p.Ala128Thr)

Gene: FLNA (filamin A; minus strand). Cytogenetic location: Xq28.
Variant type: single nucleotide variant.
Coding change: c.382G>A on transcript NM_001110556.2 (MANE Select); coding-DNA position 382, G replaced by A.
Protein change: p.Ala128Thr; replaces alanine 128 with threonine.
Molecular consequence: missense variant.
Genome position (GRCh38, 1-based): chrX:154,368,082, C>T on the plus strand (G>A on the coding strand, the complement: FLNA is on the minus strand). VCF-style: chrX-154368082-C-T. GRCh37 (hg19) VCF-style: chrX-153596450-C-T.
Other names: c.382G>A, p.Ala128Thr (NM_001456.4); short protein forms A128T.
Identifiers: ClinVar variation 2584579 (VCV002584579.2), dbSNP rs1603363301, ClinGen allele CA415251144.
Genomic context (GRCh38, chrX:154,368,082, plus strand): 5'-AGTGCAGGATCAGGGTCCAGATGAGGCCCAGGATCAGCTTCAGGTTCCCGTCCACGATGG[C>T]CTTGCTGTCTGTGAGTAGAAGAGTGGCCACGCTGGGCACACGGCTGTGCGGGAGGGGCCG-3'
Protein context (NP_001104026.1, residues 118-138): SIKLVSIDSK[Ala128Thr]IVDGNLKLIL